The following is an entry in ClinVar:

ClinVar aggregate classification (germline): Uncertain significance (1 of 4 stars; one submission).

Allele frequency attached by ClinVar (database versions not stated): gnomAD exomes below 0.00001 and 0.00001; ExAC 0.00001; gnomAD 0.00001; TOPMed 0.00002.
gnomAD v4.1: 5 of 1,606,164 alleles (0.00031%); highest among the groups gnomAD compares: East Asian, 0.0022%; no homozygotes.

Submission:

Labcorp Genetics (formerly Invitae), Labcorp
Classification: Uncertain significance. Last evaluated: 2021-10-02. Review status: criteria provided, single submitter. Criteria: Invitae Variant Classification Sherloc (09022015). Collection method: clinical testing. Allele origin: germline.
Comment: This sequence change falls in intron 10 of the C7 gene. It does not directly change the encoded amino acid sequence of the C7 protein. It affects a nucleotide within the consensus splice site of the intron. This variant is present in population databases (rs769010259, ExAC 0.002%). This variant has not been reported in the literature in individuals affected with C7-related conditions. Variants that disrupt the consensus splice site are a relatively common cause of aberrant splicing (PMID: 17576681, 9536098). Algorithms developed to predict the effect of sequence changes on RNA splicing suggest that this variant is not likely to affect RNA splicing. In summary, the available evidence is currently insufficient to determine the role of this variant in disease. Therefore, it has been classified as a Variant of Uncertain Significance.

Literature cited by the submitters: PubMed 17576681; PubMed 9536098.

NM_000587.4(C7):c.1261-3T>C

Gene: C7 (complement C7; plus strand). Cytogenetic location: 5p13.1.
Variant type: single nucleotide variant.
Coding change: c.1261-3T>C on transcript NM_000587.4 (MANE Select); 3 bases into the intron before coding-DNA position 1261, T replaced by C.
Molecular consequence: intron variant.
Genome position (GRCh38, 1-based): chr5:40,958,030, T>C. VCF-style: chr5-40958030-T-C. GRCh37 (hg19) VCF-style: chr5-40958132-T-C.
Identifiers: ClinVar variation 1485210 (VCV001485210.3), dbSNP rs769010259, ClinGen allele CA3249918.
Genomic context (GRCh38, chr5:40,958,030, plus strand): 5'-TGAAAAGCAAAATATTCTTGCCTAAATCCCTGATTACTGACTATAATGTCTTTATCTCTA[T>C]AGCTGACACCTTTATATGAGCTGGTAAAGGAAGTACCTTGTGCCTCTGTGAAAAAACTAT-3'